The following is an entry in ClinVar:

NM_198578.4(LRRK2):c.751A>G (p.Asn251Asp)

Gene: LRRK2 (leucine rich repeat kinase 2; plus strand). Cytogenetic location: 12q12.
Variant type: single nucleotide variant.
Coding change: c.751A>G on transcript NM_198578.4 (MANE Select); coding-DNA position 751, A replaced by G.
Protein change: p.Asn251Asp; replaces asparagine 251 with aspartic acid.
Molecular consequence: missense variant.
Genome position (GRCh38, 1-based): chr12:40,243,594, A>G. VCF-style: chr12-40243594-A-G. GRCh37 (hg19) VCF-style: chr12-40637396-A-G.
Other names: short protein forms N251D.
Identifiers: ClinVar variation 2499353 (VCV002499353.4), dbSNP rs2499455586, ClinGen allele CA384405842.

ClinVar aggregate classification (germline): Uncertain significance. Review status: criteria provided, multiple submitters, no conflicts (2 of 4 stars). 2 submissions from 2 submitters: Uncertain significance (2). Last evaluated 2023-12-20.

Conditions:
Autosomal dominant Parkinson disease 8. Also called: Parkinson disease 8, susceptibility to; LRRK2-Related Parkinson Disease; Parkinson disease 8. Identifiers: Orphanet 411602, MedGen C1846862, MONDO:0011764, OMIM 607060.

Allele frequency attached by ClinVar (database versions not stated): gnomAD exomes below 0.00001.

Submissions (2):

Labcorp Genetics (formerly Invitae), Labcorp
Classification: Uncertain significance for Autosomal dominant Parkinson disease 8. Last evaluated: 2023-12-20. Review status: criteria provided, single submitter. Criteria: Invitae Variant Classification Sherloc (09022015). Collection method: clinical testing. Allele origin: germline.
Comment: This sequence change replaces asparagine, which is neutral and polar, with aspartic acid, which is acidic and polar, at codon 251 of the LRRK2 protein (p.Asn251Asp). This variant is not present in population databases (gnomAD no frequency). This variant has not been reported in the literature in individuals affected with LRRK2-related conditions. ClinVar contains an entry for this variant (Variation ID: 2499353). Advanced modeling of protein sequence and biophysical properties (such as structural, functional, and spatial information, amino acid conservation, physicochemical variation, residue mobility, and thermodynamic stability) has been performed at Invitae for this missense variant, however the output from this modeling did not meet the statistical confidence thresholds required to predict the impact of this variant on LRRK2 protein function. In summary, the available evidence is currently insufficient to determine the role of this variant in disease. Therefore, it has been classified as a Variant of Uncertain Significance.

GeneDx
Classification: Uncertain significance. Last evaluated: 2022-10-11. Review status: criteria provided, single submitter. Criteria: GeneDx Variant Classification Process June 2021. Collection method: clinical testing. Allele origin: germline. Affected: yes.
Comment: Not observed at significant frequency in large population cohorts (gnomAD); In silico analysis supports that this missense variant does not alter protein structure/function; Has not been previously published as pathogenic or benign to our knowledge